The following is an entry in ClinVar:

ClinVar aggregate classification (germline): Conflicting classifications of pathogenicity. Review status: criteria provided, conflicting classifications (1 of 4 stars). 2 submissions from 2 submitters: Uncertain significance (1); Likely benign (1). Last evaluated 2026-01-05.

Conditions:
Autosomal recessive congenital ichthyosis 5 (ARCI5). Also called: ICHTHYOSIS CONGENITA III; Ichthyosis, nonlamellar and nonerythrodermic, congenital, autosomal recessive. Identifiers: Orphanet 313, MedGen C1858133, MONDO:0011485, OMIM 604777.

Allele frequency attached by ClinVar (database versions not stated): gnomAD exomes 0.00007 and 0.00014; ESP Exome Variant Server 0.00008; gnomAD 0.00008 and 0.00010; TOPMed 0.00010; ExAC 0.00019.

Submissions (2):

Labcorp Genetics (formerly Invitae), Labcorp
Classification: Likely benign. Last evaluated: 2026-01-05. Review status: criteria provided, single submitter. Criteria: Invitae Variant Classification Sherloc (09022015). Collection method: clinical testing. Allele origin: germline.

Baylor Genetics
Classification: Uncertain significance for Autosomal recessive congenital ichthyosis 5. Last evaluated: 2019-10-12. Review status: criteria provided, single submitter. Criteria: ACMG Guidelines, 2015. Collection method: clinical testing. Allele origin: unknown. Affected: yes.
Comment: This variant was determined to be of uncertain significance according to ACMG Guidelines, 2015 [PMID:25741868].

NM_173483.4(CYP4F22):c.470G>A (p.Arg157His)

Gene: CYP4F22 (cytochrome P450 family 4 subfamily F member 22; plus strand). Cytogenetic location: 19p13.12.
Variant type: single nucleotide variant.
Coding change: c.470G>A on transcript NM_173483.4 (MANE Select); coding-DNA position 470, G replaced by A.
Protein change: p.Arg157His; replaces arginine 157 with histidine.
Molecular consequence: missense variant.
Genome position (GRCh38, 1-based): chr19:15,537,583, G>A. VCF-style: chr19-15537583-G-A. GRCh37 (hg19) VCF-style: chr19-15648394-G-A.
Other names: short protein forms R157H.
Identifiers: ClinVar variation 1030320 (VCV001030320.5), dbSNP rs199641250, ClinGen allele CA9269597.
Genomic context (GRCh38, chr19:15,537,583, plus strand): 5'-TTCTGGGCCCAGGGGATGGGCTGCTGCTCAGCAAAGGTGACAAGTGGAGCCGGCACCGTC[G>A]CCTGCTGACACCCGCCTTCCACTTTGACATCCTGAAGCCTTACATGAAGATCTTCAACCA-3'
Protein context (NP_775754.2, residues 147-167): SKGDKWSRHR[Arg157His]LLTPAFHFDI